The following is an entry in ClinVar:

NM_153209.4(KIF19):c.1749G>C (p.Ala583=)

Gene: KIF19 (kinesin family member 19; plus strand). Cytogenetic location: 17q25.1.
Variant type: single nucleotide variant.
Coding change: c.1749G>C on transcript NM_153209.4 (MANE Select); coding-DNA position 1749, G replaced by C.
Protein change: p.Ala583=; no amino-acid change (alanine 583 retained).
Molecular consequence: synonymous variant.
Genome position (GRCh38, 1-based): chr17:74,352,028, G>C. VCF-style: chr17-74352028-G-C. GRCh37 (hg19) VCF-style: chr17-72348167-G-C.
Identifiers: ClinVar variation 4873510 (VCV004873510.2).

ClinVar aggregate classification (germline): Likely benign (1 of 4 stars; one submission).

Submission:

CeGaT Center for Human Genetics Tuebingen
Classification: Likely benign. Last evaluated: 2026-05-01. Review status: criteria provided, single submitter. Criteria: CeGaT Center For Human Genetics Tuebingen Variant Classification Criteria Version 2. Collection method: clinical testing. Allele origin: germline. Affected: yes. Observed: 1 variant allele.
Comment: KIF19: PM2:Supporting, BP4, BP7